The following is an entry in ClinVar:

NM_003239.5(TGFB3):c.383C>T (p.Thr128Ile)

Gene: TGFB3 (transforming growth factor beta 3; minus strand). Cytogenetic location: 14q24.3.
Variant type: single nucleotide variant.
Coding change: c.383C>T on transcript NM_003239.5 (MANE Select); coding-DNA position 383, C replaced by T.
Protein change: p.Thr128Ile; replaces threonine 128 with isoleucine.
Molecular consequence: missense variant.
Genome position (GRCh38, 1-based): chr14:75,971,688, G>A on the plus strand (C>T on the coding strand, the complement: TGFB3 is on the minus strand). VCF-style: chr14-75971688-G-A. GRCh37 (hg19) VCF-style: chr14-76438031-G-A.
Other names: c.383C>T, p.Thr128Ile (NM_001329938.2, NM_001329939.2); short protein forms T128I.
Identifiers: ClinVar variation 5030821 (VCV005030821.1).

ClinVar aggregate classification (germline): Uncertain significance (1 of 4 stars; one submission).

Conditions:
Familial thoracic aortic aneurysm and aortic dissection (TAAD). Also called: Thoracic aortic aneurysms and dissections. Identifiers: Orphanet 91387, MedGen C4707243, MONDO:0019625.

Submission:

Ambry Genetics
Classification: Uncertain significance for Familial thoracic aortic aneurysm and aortic dissection. Last evaluated: 2026-08-29. Review status: criteria provided, single submitter. Criteria: Ambry Variant Classification Scheme 2023. Collection method: clinical testing. Allele origin: germline.
Comment: The p.T128I variant (also known as c.383C>T), located in coding exon 2 of the TGFB3 gene, results from a C to T substitution at nucleotide position 383. The threonine at codon 128 is replaced by isoleucine, an amino acid with similar properties. This amino acid position is conserved. In addition, this alteration is predicted to be tolerated by in silico analysis. Based on the available evidence, the clinical significance of this variant remains unclear.